The following is an entry in ClinVar:

ClinVar aggregate classification (germline): Uncertain significance (1 of 4 stars; one submission).

Submission:

Labcorp Genetics (formerly Invitae), Labcorp
Classification: Uncertain significance. Last evaluated: 2023-12-12. Review status: criteria provided, single submitter. Criteria: Invitae Variant Classification Sherloc (09022015). Collection method: clinical testing. Allele origin: germline.
Comment: This sequence change falls in intron 4 of the FBXW4 gene. It does not directly change the encoded amino acid sequence of the FBXW4 protein. It affects a nucleotide within the consensus splice site. This variant is not present in population databases (gnomAD no frequency). This variant has not been reported in the literature in individuals affected with FBXW4-related conditions. Variants that disrupt the consensus splice site are a relatively common cause of aberrant splicing (PMID: 17576681, 9536098). Algorithms developed to predict the effect of sequence changes on RNA splicing suggest that this variant is not likely to affect RNA splicing. In summary, the available evidence is currently insufficient to determine the role of this variant in disease. Therefore, it has been classified as a Variant of Uncertain Significance.

Literature cited by the submitters: PubMed 17576681; PubMed 9536098.

NM_022039.4(FBXW4):c.1140+3G>A

Gene: FBXW4 (F-box and WD repeat domain containing 4; minus strand). Cytogenetic location: 10q24.32.
Variant type: single nucleotide variant.
Coding change: c.1140+3G>A on transcript NM_022039.4 (MANE Select); 3 bases into the intron after coding-DNA position 1140, G replaced by A.
Molecular consequence: intron variant.
Genome position (GRCh38, 1-based): chr10:101,672,912, C>T on the plus strand (G>A on the coding strand, the complement: FBXW4 is on the minus strand). VCF-style: chr10-101672912-C-T. GRCh37 (hg19) VCF-style: chr10-103432669-C-T.
Other names: c.414+3G>A (NM_001323541.2).
Identifiers: ClinVar variation 2988097 (VCV002988097.3), dbSNP rs1292398040, ClinGen allele CA658977137.